The following is an entry in ClinVar:

ClinVar aggregate classification (germline): Uncertain significance (1 of 4 stars; one submission).

Conditions:
Usher syndrome type 2A. Also called: RETINAL DISEASE IN USHER SYNDROME TYPE IIA, MODIFIER OF; USHER SYNDROME, TYPE IIA. Identifiers: Orphanet 231178, Orphanet 886, MedGen C1848634, MONDO:0010169, OMIM 276901.

gnomAD v4.1: 3 of 1,613,432 alleles (0.00019%); highest among the groups gnomAD compares: Admixed American, 0.0017%; no homozygotes.

Submission:

OLLIN Analises Genomicas, OLLIN
Classification: Uncertain significance for Usher syndrome type 2A. Last evaluated: 2026-08-06. Review status: criteria provided, single submitter. Criteria: ACMG Guidelines 2015 PMID 25741868. Collection method: clinical testing. Allele origin: germline. Inheritance: Autosomal recessive inheritance.
Comment: This missense variant, located in exon 37 (of 72), has been observed in gnomAD with an allele frequency of 0.00019%, but has not been reported in ClinVar or identified in the literature. In silico analysis predicts that this variant has a tolerated effect. According to the currently available evidence, this variant has been classified as uncertain significance (PM2_P, BP4).

NM_206933.4(USH2A):c.6958G>A (p.Val2320Met)

Gene: USH2A (usherin; minus strand). Cytogenetic location: 1q41.
Variant type: single nucleotide variant.
Coding change: c.6958G>A on transcript NM_206933.4 (MANE Select); coding-DNA position 6958, G replaced by A.
Protein change: p.Val2320Met; replaces valine 2320 with methionine.
Molecular consequence: missense variant.
Genome position (GRCh38, 1-based): chr1:215,965,479, C>T on the plus strand (G>A on the coding strand, the complement: USH2A is on the minus strand). VCF-style: chr1-215965479-C-T. GRCh37 (hg19) VCF-style: chr1-216138821-C-T.
Other names: short protein forms V2320M.
Identifiers: ClinVar variation 5002929 (VCV005002929.1).
Genomic context (GRCh38, chr1:215,965,479, plus strand): 5'-GTGTTTTGACAAACACATTTACTGTTCCTTCAGGAGGAGCTTCTAGAGTTCGATTTTCCA[C>T]CTGTGAGTATAAAAAGATTTATTTTTGTTTGCAAATAAAATAAGTACATGCTTCGCTTTG-3'
Protein context (NP_996816.3, residues 2310-2330): TAKGCALGPL[Val2320Met]ENRTLEAPPE